The following is an entry in ClinVar:

ClinVar aggregate classification (germline): Uncertain significance (1 of 4 stars; one submission).

Submission:

Labcorp Genetics (formerly Invitae), Labcorp
Classification: Uncertain significance. Last evaluated: 2025-09-10. Review status: criteria provided, single submitter. Criteria: Invitae Variant Classification Sherloc (09022015). Collection method: clinical testing. Allele origin: germline.
Comment: This sequence change replaces serine, which is neutral and polar, with proline, which is neutral and non-polar, at codon 713 of the TNNI3K protein (p.Ser713Pro). This variant is not present in population databases (gnomAD no frequency). This variant has not been reported in the literature in individuals affected with TNNI3K-related conditions. An algorithm developed to predict the effect of missense changes on protein structure and function (PolyPhen-2) suggests that this variant is likely to be tolerated. In summary, the available evidence is currently insufficient to determine the role of this variant in disease. Therefore, it has been classified as a Variant of Uncertain Significance.

NM_015978.3(TNNI3K):c.2137T>C (p.Ser713Pro)

Genes: FPGT-TNNI3K (FPGT-TNNI3K readthrough; plus strand), LRRC53 (leucine rich repeat containing 53; minus strand), TNNI3K (TNNI3 interacting kinase; plus strand). Cytogenetic location: 1p31.1.
Variant type: single nucleotide variant.
Coding change: c.2137T>C on transcript NM_015978.3 (MANE Select); coding-DNA position 2137, T replaced by C.
Protein change: p.Ser713Pro; replaces serine 713 with proline.
Molecular consequence: missense variant. On other transcripts: intron variant (2).
Genome position (GRCh38, 1-based): chr1:74,489,204, T>C. VCF-style: chr1-74489204-T-C. GRCh37 (hg19) VCF-style: chr1-74954888-T-C.
Other names: c.2440T>C, p.Ser814Pro (NM_001112808.3); c.-8-8236A>G (NM_001364666.2); c.-26-5829A>G (NM_001382280.1); short protein forms S713P, S814P.
Identifiers: ClinVar variation 4724888 (VCV004724888.1).
Genomic context (GRCh38, chr1:74,489,204, plus strand): 5'-TTCCTTTTATTCTTAAGGGAAAAAAGTTCTTTTTTCTATTTACAGGGAAGACCCGAATTT[T>C]CTGAAGTTGTCATGAAGTTAGAAGAGTGTCTCTGCAACATTGAGGTAAAAGCTTTAGCTT-3'
Protein context (NP_057062.1, residues 703-723): NACPEGRPEF[Ser713Pro]EVVMKLEECL